The following is an entry in ClinVar:

NC_012920.1(MT-CO1):m.6052A>G

Gene: MT-CO1 (mitochondrially encoded cytochrome c oxidase I; plus strand).
Variant type: single nucleotide variant.
Genome position: chrM-6052-A-G.
Identifiers: ClinVar variation 692611 (VCV000692611.1), dbSNP rs1603220245, ClinGen allele CA414781393.
Genomic context (GRCh38, chrMT:6,052, plus strand): 5'-GCACAGCTCTAAGCCTCCTTATTCGAGCCGAGCTGGGCCAGCCAGGCAACCTTCTAGGTA[A>G]CGACCACATCTACAACGTTATCGTCACAGCCCATGCATTTGTAATAATCTTCTTCATAGT-3'

ClinVar aggregate classification (germline): Likely benign (1 of 4 stars; one submission).

Conditions:
Leigh syndrome (NULS). Also called: Leigh's necrotizing encephalopathy; Leigh's disease; Leigh Syndrome (mtDNA deletion); Leigh Disease; Subacute necrotizing encephalopathy; Necrotizing encephalopathy infantile subacute of Leigh. Identifiers: Orphanet 506, MedGen C2931891, MONDO:0009723, OMIM 256000.

Submission:

Wong Mito Lab, Molecular and Human Genetics, Baylor College of Medicine
Classification: Likely benign for Leigh syndrome. Last evaluated: 2019-10-17. Review status: criteria provided, single submitter. Criteria: Modified ACMG Guidelines (Unpublished). Collection method: clinical testing. Allele origin: germline.
Comment: The NC_012920.1:m.6052A>G (YP_003024028.1:p.Asn50Ser) variant in MTCO1 gene is interpretated to be a Likely Benign variant based on the modified ACMG guidelines (unpublished). This variant meets the following evidence codes: BS4, BP4, BP6